The following is an entry in ClinVar:

NM_002941.4(ROBO1):c.4302G>A (p.Ala1434=)

Gene: ROBO1 (roundabout guidance receptor 1; minus strand). Cytogenetic location: 3p12.3.
Variant type: single nucleotide variant.
Coding change: c.4302G>A on transcript NM_002941.4 (MANE Select); coding-DNA position 4302, G replaced by A.
Protein change: p.Ala1434=; no amino-acid change (alanine 1434 retained).
Molecular consequence: synonymous variant.
Genome position (GRCh38, 1-based): chr3:78,614,781, C>T on the plus strand (G>A on the coding strand, the complement: ROBO1 is on the minus strand). VCF-style: chr3-78614781-C-T. GRCh37 (hg19) VCF-style: chr3-78663931-C-T.
Other names: c.4302G>A (NM_002941.3); c.4002G>A, p.Ala1334= (NM_001145845.2); c.4167G>A, p.Ala1389= (NM_133631.4, NM_001145844.1).
Identifiers: ClinVar variation 2715964 (VCV002715964.5), dbSNP rs558087386, ClinGen allele CA2498111.

ClinVar aggregate classification (germline): Likely benign. Review status: criteria provided, single submitter (1 of 4 stars). 2 submissions from 2 submitters: Likely benign (1). 1 of the submissions does not count toward it. Last evaluated 2025-11-03.

Conditions:
ROBO1-related disorder. Also called: ROBO1-related condition.

Allele frequency attached by ClinVar (database versions not stated): gnomAD exomes 0.00005; ExAC 0.00011; 1000 Genomes Project 30x 0.00016; 1000 Genomes Project 0.00020; gnomAD 0.00025.
gnomAD v4.1: 113 of 1,606,658 alleles (0.007%); highest among the groups gnomAD compares: African/African-American, 0.075%; 2 homozygotes.

Submissions (2):

Labcorp Genetics (formerly Invitae), Labcorp
Classification: Likely benign. Last evaluated: 2025-11-03. Review status: criteria provided, single submitter. Criteria: Invitae Variant Classification Sherloc (09022015). Collection method: clinical testing. Allele origin: germline.

PreventionGenetics, part of Exact Sciences
Classification: Likely benign for ROBO1-related condition. Last evaluated: 2023-07-10. Review status: no assertion criteria provided. Collection method: clinical testing. Allele origin: germline. Not counted in ClinVar's aggregate classification.
Comment: This variant is classified as likely benign based on ACMG/AMP sequence variant interpretation guidelines (Richards et al. 2015 PMID: 25741868, with internal and published modifications).